The following is an entry in ClinVar:

NM_016729.3(FOLR1):c.506G>A (p.Cys169Tyr)

Genes: FOLR1 (folate receptor alpha; plus strand), FOLR1-AS1 (FOLR1 antisense RNA 1; minus strand). Cytogenetic location: 11q13.4.
Variant type: single nucleotide variant.
Coding change: c.506G>A on transcript NM_016729.3 (MANE Select); coding-DNA position 506, G replaced by A.
Protein change: p.Cys169Tyr; replaces cysteine 169 with tyrosine.
Molecular consequence: missense variant.
Genome position (GRCh38, 1-based): chr11:72,195,909, G>A. VCF-style: chr11-72195909-G-A. GRCh37 (hg19) VCF-style: chr11-71906953-G-A.
Other names: c.506G>A, p.Cys169Tyr (NM_000802.3, NM_016724.3, NM_016725.3 and 1 more transcripts); short protein forms C169Y.
Identifiers: ClinVar variation 2137195 (VCV002137195.3), dbSNP rs200076509, ClinGen allele CA6169219.

ClinVar aggregate classification (germline): Conflicting classifications of pathogenicity. Review status: criteria provided, conflicting classifications (1 of 4 stars). 2 submissions from 2 submitters: Pathogenic (1); Uncertain significance (1). Last evaluated 2024-10-02.

Conditions:
FOLR1-related disorder. Also called: FOLR1-related condition.
Cerebral folate transport deficiency. Also called: NEURODEGENERATION DUE TO CEREBRAL FOLATE TRANSPORT DEFICIENCY; Cerebral folate deficiency syndrome; FOLR1-Related Cerebral Folate Transport Deficiency; FOLATE RECEPTOR DEFICIENCY; Neurodegenerative syndrome due to cerebral folate transport deficiency. Identifiers: Orphanet 217382, MedGen C2751584, MONDO:0013110, OMIM 613068. Disease mechanism: loss of function.

Allele frequency attached by ClinVar (database versions not stated): TOPMed 0.00001; ExAC 0.00018; gnomAD 0.00018; gnomAD exomes 0.00023.
gnomAD v4.1: 167 of 1,614,096 alleles (0.01%); highest among the groups gnomAD compares: African/African-American, 0.0013%; no homozygotes.

Submissions (2):

Blueprint Genetics
Classification: Pathogenic for FOLR1-related disorders. Last evaluated: 2024-10-02. Review status: criteria provided, single submitter. Criteria: ACMG Guidelines, 2015. Collection method: clinical testing. Allele origin: germline. Affected: yes. Observed: 5 variant alleles.

Labcorp Genetics (formerly Invitae), Labcorp
Classification: Uncertain significance for Cerebral folate transport deficiency. Last evaluated: 2022-02-28. Review status: criteria provided, single submitter. Criteria: Invitae Variant Classification Sherloc (09022015). Collection method: clinical testing. Allele origin: germline.
Comment: This sequence change replaces cysteine, which is neutral and slightly polar, with tyrosine, which is neutral and polar, at codon 169 of the FOLR1 protein (p.Cys169Tyr). This variant is present in population databases (rs200076509, gnomAD 0.2%). This missense change has been observed in individuals with cerebral folate deficiency (PMID: 22586289). Algorithms developed to predict the effect of missense changes on protein structure and function are either unavailable or do not agree on the potential impact of this missense change (SIFT: "Deleterious"; PolyPhen-2: "Probably Damaging"; Align-GVGD: "Class C0"). Experimental studies have shown that this missense change affects FOLR1 function (PMID: 22586289). In summary, the available evidence is currently insufficient to determine the role of this variant in disease. Therefore, it has been classified as a Variant of Uncertain Significance.

Literature cited by the submitters: PubMed 22586289 (cited by Labcorp Genetics (formerly Invitae), Labcorp).